The following is an entry in ClinVar:

ClinVar aggregate classification (germline): Uncertain significance. Review status: criteria provided, multiple submitters, no conflicts (2 of 4 stars). 2 submissions from 2 submitters: Uncertain significance (2). Last evaluated 2022-10-05.

Conditions:
Marinesco-Sjögren syndrome (MSS). Also called: Marinesco-SjÃ¶gren syndrome; Marinesco-Sjogren Syndrome. Identifiers: Orphanet 559, MedGen C0024814, MONDO:0009567, OMIM 248800.

Allele frequency attached by ClinVar (database versions not stated): ExAC 0.00001; ESP Exome Variant Server 0.00008.
gnomAD v4.1: 25 of 1,613,998 alleles (0.0015%); highest among the groups gnomAD compares: East Asian, 0.0067%; no homozygotes.

Submissions (2):

Labcorp Genetics (formerly Invitae), Labcorp
Classification: Uncertain significance for Marinesco-Sjögren syndrome. Last evaluated: 2022-10-05. Review status: criteria provided, single submitter. Criteria: Invitae Variant Classification Sherloc (09022015). Collection method: clinical testing. Allele origin: germline.
Comment: This sequence change replaces arginine, which is basic and polar, with glutamine, which is neutral and polar, at codon 92 of the SIL1 protein (p.Arg92Gln). This variant is present in population databases (rs138414883, gnomAD 0.008%). This variant has not been reported in the literature in individuals affected with SIL1-related conditions. Advanced modeling of protein sequence and biophysical properties (such as structural, functional, and spatial information, amino acid conservation, physicochemical variation, residue mobility, and thermodynamic stability) performed at Invitae indicates that this missense variant is not expected to disrupt SIL1 protein function. In summary, the available evidence is currently insufficient to determine the role of this variant in disease. Therefore, it has been classified as a Variant of Uncertain Significance.

Blueprint Genetics
Classification: Uncertain significance. Last evaluated: 2022-09-09. Review status: criteria provided, single submitter. Criteria: ACMG Guidelines, 2015. Collection method: clinical testing. Allele origin: germline.

NM_022464.5(SIL1):c.275G>A (p.Arg92Gln)

Gene: SIL1 (SIL1 nucleotide exchange factor; minus strand). Cytogenetic location: 5q31.2.
Variant type: single nucleotide variant.
Coding change: c.275G>A on transcript NM_022464.5 (MANE Select); coding-DNA position 275, G replaced by A.
Protein change: p.Arg92Gln; replaces arginine 92 with glutamine.
Molecular consequence: missense variant.
Genome position (GRCh38, 1-based): chr5:139,051,016, C>T on the plus strand (G>A on the coding strand, the complement: SIL1 is on the minus strand). VCF-style: chr5-139051016-C-T. GRCh37 (hg19) VCF-style: chr5-138386705-C-T.
Other names: c.275G>A, p.Arg92Gln (NM_001037633.2); short protein forms R92Q.
Identifiers: ClinVar variation 2037144 (VCV002037144.2), dbSNP rs138414883, ClinGen allele CA3432628.